The following is an entry in ClinVar:

ClinVar aggregate classification (germline): Pathogenic (1 of 4 stars; one submission).

Submission:

GeneDx
Classification: Pathogenic. Last evaluated: 2015-07-24. Review status: criteria provided, single submitter. Criteria: GeneDx Variant Classification (06012015). Collection method: clinical testing. Allele origin: germline. Affected: yes.
Comment: The c.1853_1854delTG deletion in the RARS gene has not been reported previously as a pathogenic variant nor as a benign polymorphism, to our knowledge. The c.1853_1854delTG deletion causes a frameshift starting with codon Valine 618, changes this amino acid to a Glycine residue, and creates a premature Stop codon at position 4 of the new reading frame, denoted p.Val618GlyfsX4. This deletion is predicted to cause loss of normal protein function through protein truncation. The c.1853_1854delTG variant was not observed in approximately 6,500 individuals of European and African American ancestry in the NHLBI Exome Sequencing Project, indicating it is not a common benign variant in these populations. We interpret c.1853_1854delTG as a pathogenic variant.

NM_002887.4(RARS1):c.1853_1854del (p.Val618fs)

Gene: RARS1 (arginyl-tRNA synthetase 1; plus strand). Cytogenetic location: 5q34.
Variant type: Microsatellite.
Coding change: c.1853_1854del on transcript NM_002887.4 (MANE Select); coding-DNA positions 1853 to 1854, 2 bases deleted (TG; older notation c.1853_1854delTG).
Protein change: p.Val618fs; shifts the reading frame from valine 618.
Molecular consequence: frameshift variant.
Genome position (GRCh38, 1-based): chr5:168,518,042-168,518,043, TG deleted; deleting any 2 consecutive bases within chr5:168,518,038-168,518,043 gives the same sequence; the c. name uses the placement nearest the transcript's 3' end. VCF-style (leftmost placement, unchanged base first): chr5-168518037-CTG-C. GRCh37 (hg19) VCF-style: chr5-167945042-CTG-C.
Other names: short protein forms V618fs.
Identifiers: ClinVar variation 419440 (VCV000419440.2), dbSNP rs754997301, ClinGen allele CA16618165.
Genomic context (GRCh38, chr5:168,518,037, plus strand): 5'-TCTCTGTGATTATATATATGAGCTGGCAACTGCTTTCACAGAGTTCTATGATAGCTGCTA[CTG>C]TGTGGAGAAAGATAGACAGACTGGTGAGTGTCTTTTTTTTTTTTTTTTTTTTTTTTAGTG-3'